The following is an entry in ClinVar:

NM_000540.3(RYR1):c.3240T>C (p.Tyr1080=)

Gene: RYR1 (ryanodine receptor 1; plus strand). Cytogenetic location: 19q13.2.
Variant type: single nucleotide variant.
Coding change: c.3240T>C on transcript NM_000540.3 (MANE Select); coding-DNA position 3240, T replaced by C.
Protein change: p.Tyr1080=; no amino-acid change (tyrosine 1080 retained).
Molecular consequence: synonymous variant.
Genome position (GRCh38, 1-based): chr19:38,467,671, T>C. VCF-style: chr19-38467671-T-C. GRCh37 (hg19) VCF-style: chr19-38958311-T-C.
Other names: c.3240T>C, p.Tyr1080= (NM_001042723.2).
Identifiers: ClinVar variation 2897608 (VCV002897608.4), dbSNP rs1410558241, ClinGen allele CA507234650.
Genomic context (GRCh38, chr19:38,467,671, plus strand): 5'-TCAGGTGGAGAACCAGTCTCGTTGTGACCGGGTGCGCATCTTCCGGGCAGAGAAATCCTA[T>C]ACAGTGCAGAGCGGCCGCTGGTACTTCGAGTTTGAAGCAGTCACCACAGGCGAGATGCGC-3'
Protein context (NP_000531.2, residues 1070-1090): RVRIFRAEKS[Tyr1080=]TVQSGRWYFE

ClinVar aggregate classification (germline): Likely benign. Review status: criteria provided, multiple submitters, no conflicts (2 of 4 stars). 2 submissions from 2 submitters: Likely benign (2). Last evaluated 2023-06-15.

Conditions:
Malignant hyperthermia, susceptibility to, 1 (MHS1). Also called: Anesthesia related hyperthermia; Malignant hyperpyrexia; Fulminating hyperpyrexia; Pharmacogenic myopathy; RYR1-Related Malignant Hyperthermia Susceptibility; Malignant hyperthermia suceptibility 1. Identifiers: Orphanet 423, MedGen C2930980, MONDO:0007783, OMIM 145600.
RYR1-related disorder. Also called: RYR1-related disorders; RYR1-related condition. Identifiers: MedGen CN239331.

Allele frequency attached by ClinVar (database versions not stated): gnomAD exomes below 0.00001.
gnomAD v4.1: 3 of 1,614,190 alleles (0.00019%); highest among the groups gnomAD compares: Admixed American, 0.0017%; no homozygotes.

Submissions (2):

Labcorp Genetics (formerly Invitae), Labcorp
Classification: Likely benign for RYR1-related disorder. Last evaluated: 2023-06-15. Review status: criteria provided, single submitter. Criteria: Invitae Variant Classification Sherloc (09022015). Collection method: clinical testing. Allele origin: germline.

All of Us Research Program, National Institutes of Health
Classification: Likely benign for Malignant hyperthermia, susceptibility to, 1. Last evaluated: 2023-06-08. Review status: criteria provided, single submitter. Criteria: ACMG Guidelines, 2015. Collection method: clinical testing. Allele origin: germline. Inheritance: Autosomal dominant inheritance. Observed: 1 variant allele, 1 heterozygote.
Comment: This study involves interpretation of variants in research participants for the purpose of population health screening. Participant phenotype was not available at the time of variant classification. Additional details can be found in publication PMID: 35346344, PMCID: PMC8962531